The following is an entry in ClinVar:

NM_016529.6(ATP8A2):c.643A>T (p.Ile215Leu)

Gene: ATP8A2 (ATPase phospholipid transporting 8A2). Cytogenetic location: 13q12.13.
Variant type: single nucleotide variant.
Coding change: c.643A>T on transcript NM_016529.6 (MANE Select); coding-DNA position 643, A replaced by T.
Protein change: p.Ile215Leu; replaces isoleucine 215 with leucine.
Molecular consequence: missense variant.
Genome position (GRCh38, 1-based): chr13:25,540,380, A>T. VCF-style: chr13-25540380-A-T. GRCh37 (hg19) VCF-style: chr13-26114518-A-T.
Other names: p.(Ile215Leu); c.523A>T, p.Ile175Leu (NM_001313741.1); c.643A>T (NM_016529.4); short protein forms I175L, I215L.
Identifiers: ClinVar variation 1516468 (VCV001516468.6), dbSNP rs1384866263, ClinGen allele CA387611862.

ClinVar aggregate classification (germline): Uncertain significance. Review status: criteria provided, multiple submitters, no conflicts (2 of 4 stars). 2 submissions from 2 submitters: Uncertain significance (2). Last evaluated 2022-11-14.

Conditions:
Inborn genetic diseases. Identifiers: MedGen C0950123, MeSH D030342.

Allele frequency attached by ClinVar (database versions not stated): gnomAD exomes below 0.00001.
gnomAD v4.1: 2 of 1,612,228 alleles (0.00012%); highest among the groups gnomAD compares: Middle Eastern, 0.017%; no homozygotes.

Submissions (2):

Ambry Genetics
Classification: Uncertain significance for Inborn genetic diseases. Last evaluated: 2022-11-14. Review status: criteria provided, single submitter. Criteria: Ambry Variant Classification Scheme 2023. Collection method: clinical testing. Allele origin: germline.

Labcorp Genetics (formerly Invitae), Labcorp
Classification: Uncertain significance. Last evaluated: 2022-08-16. Review status: criteria provided, single submitter. Criteria: Invitae Variant Classification Sherloc (09022015). Collection method: clinical testing. Allele origin: germline.
Comment: This sequence change replaces isoleucine, which is neutral and non-polar, with leucine, which is neutral and non-polar, at codon 215 of the ATP8A2 protein (p.Ile215Leu). This variant is present in population databases (no rsID available, gnomAD no frequency). This missense change has been observed in individual(s) with clinical features of ATP8A2-related conditions (PMID: 31612321). ClinVar contains an entry for this variant (Variation ID: 1516468). Algorithms developed to predict the effect of missense changes on protein structure and function output the following: SIFT: "Deleterious"; PolyPhen-2: "Benign"; Align-GVGD: "Class C0". The leucine amino acid residue is found in multiple mammalian species, which suggests that this missense change does not adversely affect protein function. Experimental studies have shown that this missense change does not substantially affect ATP8A2 function (PMID: 31612321). In summary, the available evidence is currently insufficient to determine the role of this variant in disease. Therefore, it has been classified as a Variant of Uncertain Significance.

Literature cited by the submitters: PubMed 31612321 (cited by Ambry Genetics and Labcorp Genetics (formerly Invitae), Labcorp).